The following is an entry in ClinVar:

NM_000350.3(ABCA4):c.1964T>G (p.Phe655Cys)

Gene: ABCA4 (ATP binding cassette subfamily A member 4; minus strand). Cytogenetic location: 1p22.1.
Variant type: single nucleotide variant.
Coding change: c.1964T>G on transcript NM_000350.3 (MANE Select); coding-DNA position 1964, T replaced by G.
Protein change: p.Phe655Cys; replaces phenylalanine 655 with cysteine.
Molecular consequence: missense variant.
Genome position (GRCh38, 1-based): chr1:94,060,733, A>C on the plus strand (T>G on the coding strand, the complement: ABCA4 is on the minus strand). VCF-style: chr1-94060733-A-C. GRCh37 (hg19) VCF-style: chr1-94526289-A-C.
Other names: c.1964T>G, p.Phe655Cys (NM_001425324.1); short protein forms F655C.
Identifiers: ClinVar variation 212727 (VCV000212727.24), dbSNP rs200692438, ClinGen allele CA347415.

ClinVar aggregate classification (germline): Pathogenic/Likely pathogenic. Review status: criteria provided, multiple submitters, no conflicts (2 of 4 stars). 14 submissions from 13 submitters: Pathogenic (5); Likely pathogenic (9). Last evaluated 2026-08-06.

Conditions:
ABCA4-related disorder. Also called: ABCA4-related condition; ABCA4-related disorders. Identifiers: MedGen CN239167.
Retinal dystrophy. Also called: Inherited retinal dystrophy. Identifiers: Orphanet 71862, MedGen C0854723, MeSH D058499, MONDO:0019118, HP:0000556.
Cone-rod dystrophy 3 (CORD3). Identifiers: Orphanet 1872, MedGen C1858806, MONDO:0011395, OMIM 604116.
Severe early-childhood-onset retinal dystrophy (STGD1). Also called: Stargardt macular dystrophy; Juvenile onset macular degeneration; Stargardt disease 1; STGD; MACULAR DYSTROPHY WITH FLECKS, TYPE 1. Identifiers: Orphanet 364055, Orphanet 827, MedGen C1855465, MeSH D000080362, MONDO:0009549, OMIM 248200.
Age related macular degeneration 2. Also called: MACULOPATHY, AGE-RELATED; MACULAR DEGENERATION, SENILE; MACULOPATHY, AGE-RELATED, 2. Identifiers: MedGen C3495438, MONDO:0007932, OMIM 153800.
Retinitis pigmentosa 19 (RP19). Also called: ABCA4-Related Retinitis Pigmentosa. Identifiers: Orphanet 791, MedGen C1866422, MONDO:0011137, OMIM 601718.
Retinal disorder. Also called: Retinal disorders; Retinopathies; Retinal Diseases; Retinopathy. Identifiers: MedGen C0035309, MONDO:0005283, HP:0000488.

Allele frequency attached by ClinVar (database versions not stated): TOPMed 0.00019; ExAC 0.00065; gnomAD 0.00033 and 0.00030; ESP Exome Variant Server 0.00015; gnomAD exomes 0.00038.
gnomAD v4.1: 482 of 1,613,460 alleles (0.03%); highest among the groups gnomAD compares: Admixed American, 0.035%; no homozygotes.

Submissions (14):

OLLIN Analises Genomicas, OLLIN
Classification: Pathogenic for Cone-rod dystrophy 3. Last evaluated: 2026-08-06. Review status: criteria provided, single submitter. Criteria: ACMG Guidelines 2015 PMID 25741868. Collection method: clinical testing. Allele origin: germline. Inheritance: Autosomal recessive inheritance.
Comment: This missense variant, located in exon 14 (of 50), has been reported in ClinVar (accession VCV000212727.20), in gnomAD with an allele frequency of 0.03%, and in the scientific literature, in compound heterozygosity, in individuals with ABCA4 related disorders (PMID: 32821503, 22661472, 29925512, 28118664, 28446513, 21911583, 17296903, 31212395). In silico analysis predicts that this variant has a deleterious effect. This variant is located in a region considered to be a mutational hotspot. This gene is constrained for missense variation. According to the currently available evidence, this variant has been classified as pathogenic (PM1, PM2_P, PM3_VS, PP2, PP3_M).

PreventionGenetics, part of Exact Sciences
Classification: Pathogenic for ABCA4-related condition. Last evaluated: 2026-02-04. Review status: criteria provided, single submitter. Criteria: ACMG Guidelines, 2015. Collection method: clinical testing. Allele origin: germline.
Comment: The ABCA4 c.1964T>G variant is predicted to result in the amino acid substitution p.Phe655Cys. This variant has been reported along with a second ABCA4 variant in several individuals with ABCA4-related retinal disease (see for examples: Table S1, Fujinami et al. 2018. PubMed ID: 29925512; Table S2, Weisschuh et al. 2020. PubMed ID: 32531858; Table S1, Lin et al. 2024. PubMed ID: 38219857). This variant is reported in 0.076% of alleles in individuals of European (Finnish) descent in gnomAD. This variant is interpreted as pathogenic.

Labcorp Genetics (formerly Invitae), Labcorp
Classification: Pathogenic. Last evaluated: 2025-12-19. Review status: criteria provided, single submitter. Criteria: Invitae Variant Classification Sherloc (09022015). Collection method: clinical testing. Allele origin: germline.
Comment: This sequence change replaces phenylalanine, which is neutral and non-polar, with cysteine, which is neutral and slightly polar, at codon 655 of the ABCA4 protein (p.Phe655Cys). This variant is present in population databases (rs200692438, gnomAD 0.09%). This missense change has been observed in individual(s) with Stargardt disease (PMID: 21911583, 22229821, 22661472, 29925512). In at least one individual the data is consistent with being in trans (on the opposite chromosome) from a pathogenic variant. ClinVar contains an entry for this variant (Variation ID: 212727). Invitae Evidence Modeling of protein sequence and biophysical properties (such as structural, functional, and spatial information, amino acid conservation, physicochemical variation, residue mobility, and thermodynamic stability) indicates that this missense variant is expected to disrupt ABCA4 protein function with a positive predictive value of 95%. For these reasons, this variant has been classified as Pathogenic.

GeneDx
Classification: Likely pathogenic. Last evaluated: 2025-12-18. Review status: criteria provided, single submitter. Criteria: GeneDx Variant Classification Process June 2021. Collection method: clinical testing. Allele origin: germline.
Comment: Observed in multiple unrelated patients from different ethnic backgrounds with ABCA4-related eye disorders in published literature (PMID: 17296903, 28118664, 22229821, 32619608, 33851411, 29925512, 22661472, 34874912); In silico analysis supports that this missense variant has a deleterious effect on protein structure/function; This variant is associated with the following publications: (PMID: 17296903, 28118664, 22229821, 31589614, 22661472, 21911583, 29754767, 32619608, 33851411, 29925512, 34954332, 35119454, 34874912, 32531858, 31964843, 36460718, 32307445, 35120629, 38219857, 34906470)

Genetics Laboratory, Great Ormond Street Hospital NHS Foundation Trust, North Thames Genomic Laboratory Hub
Classification: Likely pathogenic for Retinal disorders. Last evaluated: 2025-11-12. Review status: criteria provided, single submitter. Criteria: ACGS Best Practice Guidelines for Variant Classification in Rare Disease 2024 v1.2. Collection method: clinical testing. Allele origin: germline. Affected: yes.
Comment: PP3_supporting, PM3_strong, PP4_supporting

Dasa
Classification: Likely pathogenic. Last evaluated: 2025-05-14. Review status: criteria provided, single submitter. Criteria: DASA Assertion Criteria. Collection method: clinical testing. Allele origin: germline.
Comment: NM_000350.3(ABCA4):c.1964T>G (p.Phe655Cys) is a missense variant that results in the substitution of phenylalanine with cysteine. The affected residue or protein region has prior evidence supporting clinical relevance. This variant has been reported in individuals with ABCA4-related disorders (PMID: 22661472). Also, this variant is rare in population databases. Computational evidence supports a deleterious effect. Based on the currently available evidence, this variant is classified as likely pathogenic.

Revvity Omics, Revvity
Classification: Likely pathogenic. Last evaluated: 2025-03-12. Review status: criteria provided, single submitter. Criteria: ACMG Guidelines, 2015. Collection method: clinical testing. Allele origin: germline.

Blueprint Genetics
Classification: Pathogenic for ABCA4-related disorders. Last evaluated: 2024-11-07. Review status: criteria provided, single submitter. Criteria: ACMG Guidelines, 2015. Collection method: clinical testing. Allele origin: germline. Affected: yes. Observed: 5 variant alleles.

Fulgent Genetics
Classification: Pathogenic for Age related macular degeneration 2; Severe early-childhood-onset retinal dystrophy; Retinitis pigmentosa 19; Cone-rod dystrophy 3. Last evaluated: 2024-06-15. Review status: criteria provided, single submitter. Criteria: ACMG Guidelines, 2015. Collection method: clinical testing. Allele origin: germline.

Victorian Clinical Genetics Services, Murdoch Childrens Research Institute
Classification: Likely pathogenic for Severe early-childhood-onset retinal dystrophy. Last evaluated: 2021-05-06. Review status: criteria provided, single submitter. Criteria: ACMG Guidelines, 2015. Collection method: clinical testing. Allele origin: germline. Inheritance: Autosomal recessive inheritance.
Comment: Based on the classification scheme VCGS_Germline_v1.3.4, this variant is classified as likely pathogenic. The following criteria are met: 0102 - Loss of function is a known mechanism of disease in this gene and is associated with Stargardt disease (MIM #248200), fundus flavimaculatus (MIM #248200), early-onset severe retinal dystrophy (MIM #248200) and retinitis pigmentosa 19 (MIM #601718). (I) 0106 - This gene is associated with autosomal recessive disease. (I) 0115 - Variants in this gene are known to have variable expressivity (PMID: 31522899). (I) 0200 - Variant is predicted to result in a missense amino acid change from phenylalanine to cysteine. (I) 0251 - This variant is heterozygous. (I) 0304 - Variant is present in gnomAD <0.01 for a recessive condition (v2) (110 heterozygotes, 0 homozygotes). (SP) 0501 - Missense variant consistently predicted to be damaging by multiple in silico tools or highly conserved with a major amino acid change. (SP) 0600 - Variant is located in the annotated ABC2 membrane 3 domain (Pfam). (I) 0801 - This variant has strong previous evidence of pathogenicity in unrelated individuals. This variant has previously been reported as likely pathogenic and pathogenic four times in ClinVar in association with ABCA4-related eye disease. It has been reported in at least 10 patients with Stargardt or ABCA4-related eye disease in the literature where a 2nd disease-causing variant was identified in trans (PMIDs: 32821503; 22661472; 29925512; 28118664; 28446513; 21911583; 17296903; 31212395). This variant has also been reported as likely benign (based on case/control frequency data)/VUS (based on ACMG classification guidelines) by the same study (PMID: 28044389). (SP) 0705 - No comparable missene variants have previous evidence for pathogenicity. (I) 0905 - No published segregation evidence has been identified for this variant. (I) 1007 - No published functional evidence has been identified for this variant. (I) Legend: (SP) - Supporting pathogenic, (I) - Information, (SB) - Supporting benign

Ocular Genomics Institute, Massachusetts Eye and Ear
Classification: Likely pathogenic for Severe early-childhood-onset retinal dystrophy. Last evaluated: 2021-04-08. Review status: criteria provided, single submitter. Criteria: ACMG Guidelines, 2015. Collection method: research. Allele origin: germline. Affected: yes.
Comment: Through a review of available evidence we were able to apply the following criteria: PM2, PP3, PM3-S. Based on this evidence we have classified this variant as Likely Pathogenic.

Institute of Human Genetics, Univ. Regensburg, Univ. Regensburg
Classification: Likely pathogenic for Retinal dystrophy. Last evaluated: 2020-01-01. Review status: criteria provided, single submitter. Criteria: ACMG Guidelines, 2015. Collection method: clinical testing. Allele origin: germline. Affected: yes.

Institute of Human Genetics, Univ. Regensburg, Univ. Regensburg
Classification: Likely pathogenic for Severe early-childhood-onset retinal dystrophy. Last evaluated: 2016-01-01. Review status: criteria provided, single submitter. Criteria: Schulz et al. (Invest Ophthalmol Vis Sci. 2017). Collection method: clinical testing. Allele origin: germline. Affected: yes. Observed: 1 heterozygote.

Knight Diagnostic Laboratories, Oregon Health and Sciences University
Classification: Likely pathogenic for Cone-rod dystrophy 3; Stargardt disease 1. Last evaluated: 2014-10-01. Review status: criteria provided, single submitter. Criteria: ACMG Guidelines, 2007. Collection method: clinical testing. Allele origin: germline. Inheritance: Autosomal recessive inheritance. Affected: no.

Literature cited by the submitters: PubMed 32821503 (cited by 3 submitters); PubMed 22661472 (cited by 5 submitters); PubMed 29925512 (cited by 6 submitters); PubMed 28118664 (cited by 4 submitters); PubMed 28446513 (cited by OLLIN Analises Genomicas, OLLIN and Victorian Clinical Genetics Services, Murdoch Childrens Research Institute); PubMed 21911583 (cited by 5 submitters); PubMed 17296903 (cited by 5 submitters); PubMed 31212395 (cited by OLLIN Analises Genomicas, OLLIN and Victorian Clinical Genetics Services, Murdoch Childrens Research Institute); PubMed 22229821 (cited by Labcorp Genetics (formerly Invitae), Labcorp and Ocular Genomics Institute, Massachusetts Eye and Ear); PubMed 28044389 (cited by Victorian Clinical Genetics Services, Murdoch Childrens Research Institute); PubMed 31522899 (cited by Victorian Clinical Genetics Services, Murdoch Childrens Research Institute); PubMed 31589614 (cited by Institute of Human Genetics, Univ. Regensburg, Univ. Regensburg); PubMed 32619608 (cited by Institute of Human Genetics, Univ. Regensburg, Univ. Regensburg); PubMed 31964843 (cited by Institute of Human Genetics, Univ. Regensburg, Univ. Regensburg); PubMed 32307445 (cited by Institute of Human Genetics, Univ. Regensburg, Univ. Regensburg); PubMed 32531858 (cited by Institute of Human Genetics, Univ. Regensburg, Univ. Regensburg); PubMed 33851411 (cited by Institute of Human Genetics, Univ. Regensburg, Univ. Regensburg); PubMed 35119454 (cited by Institute of Human Genetics, Univ. Regensburg, Univ. Regensburg); PubMed 36460718 (cited by Institute of Human Genetics, Univ. Regensburg, Univ. Regensburg).